The following is an entry in ClinVar:

ClinVar aggregate classification (germline): Uncertain significance (1 of 4 stars; one submission).

Submission:

Labcorp Genetics (formerly Invitae), Labcorp
Classification: Uncertain significance. Last evaluated: 2025-02-18. Review status: criteria provided, single submitter. Criteria: Invitae Variant Classification Sherloc (09022015). Collection method: clinical testing. Allele origin: germline.
Comment: This sequence change replaces serine, which is neutral and polar, with threonine, which is neutral and polar, at codon 1487 of the ADGRB2 protein (p.Ser1487Thr). This variant is present in population databases (rs141410755, gnomAD 0.01%). This variant has not been reported in the literature in individuals affected with ADGRB2-related conditions. An algorithm developed to predict the effect of missense changes on protein structure and function outputs the following: PolyPhen-2: "Benign". The threonine amino acid residue is found in multiple mammalian species, which suggests that this missense change does not adversely affect protein function. In summary, the available evidence is currently insufficient to determine the role of this variant in disease. Therefore, it has been classified as a Variant of Uncertain Significance.

NM_001364857.2(ADGRB2):c.4562G>C (p.Ser1521Thr)

Gene: ADGRB2 (adhesion G protein-coupled receptor B2; minus strand). Cytogenetic location: 1p35.2.
Variant type: single nucleotide variant.
Coding change: c.4562G>C on transcript NM_001364857.2 (MANE Select); coding-DNA position 4562, G replaced by C.
Protein change: p.Ser1521Thr; replaces serine 1521 with threonine.
Molecular consequence: missense variant.
Genome position (GRCh38, 1-based): chr1:31,728,035, C>G on the plus strand (G>C on the coding strand, the complement: ADGRB2 is on the minus strand). VCF-style: chr1-31728035-C-G. GRCh37 (hg19) VCF-style: chr1-32193636-C-G.
Other names: c.4559G>C, p.Ser1520Thr (NM_001294335.2); c.4460G>C, p.Ser1487Thr (NM_001294336.2); short protein forms S1521T, S1487T, S1520T.
Identifiers: ClinVar variation 3703095 (VCV003703095.2).